The following is an entry in ClinVar:

NM_000059.4(BRCA2):c.3662C>A (p.Ser1221Tyr)

Gene: BRCA2 (BRCA2 DNA repair associated; plus strand). Cytogenetic location: 13q13.1.
Variant type: single nucleotide variant.
Coding change: c.3662C>A on transcript NM_000059.4 (MANE Select); coding-DNA position 3662, C replaced by A.
Protein change: p.Ser1221Tyr; replaces serine 1221 with tyrosine.
Molecular consequence: missense variant.
Genome position (GRCh38, 1-based): chr13:32,338,017, C>A. VCF-style: chr13-32338017-C-A. GRCh37 (hg19) VCF-style: chr13-32912154-C-A.
Other names: p.S1221Y:TCT>TAT; 3890C>A; short protein forms S1221Y.
Identifiers: ClinVar variation 37851 (VCV000037851.32), dbSNP rs397507313, ClinGen allele CA018495.

ClinVar aggregate classification (germline): Conflicting classifications of pathogenicity. Review status: criteria provided, conflicting classifications (1 of 4 stars). 9 submissions from 9 submitters: Uncertain significance (7); Likely benign (1). 1 of the submissions does not count toward it. Last evaluated 2025-10-21.

Conditions:
Hereditary cancer-predisposing syndrome. Also called: Tumor predisposition; Neoplastic Syndromes, Hereditary; Hereditary neoplastic syndrome; Hereditary Cancer Syndrome. Identifiers: Orphanet 140162, MedGen C0027672, MeSH D009386, MONDO:0015356.
Hereditary breast ovarian cancer syndrome. Also called: Hereditary breast and ovarian cancer; Hereditary breast and ovarian cancer syndrome (HBOC); Hereditary breast and/or ovarian cancer syndrome; Breast and ovarian cancer; Hereditary breast and ovarian cancer syndrome; BRCA1- and BRCA2-Associated Hereditary Breast and Ovarian Cancer. Identifiers: Orphanet 145, MedGen C0677776, MeSH D061325, MONDO:0003582. Disease mechanism: loss of function.
Breast-ovarian cancer, familial, susceptibility to, 2 (BROVCA2). Also called: BRCA2 Hereditary Breast and Ovarian Cancer. Identifiers: Orphanet 145, MedGen C2675520, MONDO:0012933, OMIM 612555. Disease mechanism: loss of function.

Submissions (9):

Labcorp Genetics (formerly Invitae), Labcorp
Classification: Uncertain significance for Hereditary breast ovarian cancer syndrome. Last evaluated: 2025-10-21. Review status: criteria provided, single submitter. Criteria: Invitae Variant Classification Sherloc (09022015). Collection method: clinical testing. Allele origin: germline.
Comment: This sequence change replaces serine, which is neutral and polar, with tyrosine, which is neutral and polar, at codon 1221 of the BRCA2 protein (p.Ser1221Tyr). This variant is not present in population databases (gnomAD no frequency). This missense change has been observed in individual(s) with breast cancer (PMID: 11802209). ClinVar contains an entry for this variant (Variation ID: 37851). Invitae Evidence Modeling of protein sequence and biophysical properties (such as structural, functional, and spatial information, amino acid conservation, physicochemical variation, residue mobility, and thermodynamic stability) indicates that this missense variant is not expected to disrupt BRCA2 protein function with a negative predictive value of 95%. In summary, the available evidence is currently insufficient to determine the role of this variant in disease. Therefore, it has been classified as a Variant of Uncertain Significance.

GeneDx
Classification: Uncertain significance. Last evaluated: 2025-04-17. Review status: criteria provided, single submitter. Criteria: GeneDx Variant Classification Process June 2021. Collection method: clinical testing. Allele origin: germline. Affected: yes.
Comment: Not observed at significant frequency in large population cohorts (gnomAD); In silico analysis supports that this missense variant has a deleterious effect on protein structure/function; Also known as 3890C>A; This variant is associated with the following publications: (PMID: 26992456, 31131967, 11802209, 31050813, 9002670, 22193408, 29884841, 32377563)

Ambry Genetics
Classification: Uncertain significance for Hereditary cancer-predisposing syndrome. Last evaluated: 2025-04-12. Review status: criteria provided, single submitter. Criteria: Ambry Variant Classification Scheme 2023. Collection method: clinical testing. Allele origin: germline.
Comment: The p.S1221Y variant (also known as c.3662C>A), located in coding exon 10 of the BRCA2 gene, results from a C to A substitution at nucleotide position 3662. The serine at codon 1221 is replaced by tyrosine, an amino acid with dissimilar properties. This alteration was detected in 1/989 hereditary breast and/or ovarian cancer probands from a German cohort (Meindl A et al. Int. J. Cancer. 2002 Feb;97:472-80). This amino acid position is highly conserved in available vertebrate species. In addition, the in silico prediction for this alteration is inconclusive. Since supporting evidence is limited at this time, the clinical significance of this alteration remains unclear.

Women's Health and Genetics/Laboratory Corporation of America, LabCorp
Classification: Uncertain significance. Last evaluated: 2023-06-27. Review status: criteria provided, single submitter. Criteria: LabCorp Variant Classification Summary - May 2015. Collection method: clinical testing. Allele origin: germline.
Comment: Variant summary: BRCA2 c.3662C>A (p.Ser1221Tyr) results in a non-conservative amino acid change in the encoded protein sequence. Five of five in-silico tools predict a damaging effect of the variant on protein function. The variant was absent in 250308 control chromosomes. The available data on variant occurrences in the general population are insufficient to allow any conclusion about variant significance. c.3662C>A has been reported as a VUS in the literature in individuals affected with breast cancer or with family history of breast cancer (examples: Kleibova_2019, Meindl_2002). These report(s) do not provide unequivocal conclusions about association of the variant with Hereditary Breast And Ovarian Cancer Syndrome. Co-occurrences with other pathogenic variant(s) have been reported (BRCA1 c.3700_3704delGTAAA, p.Val1234Glnfs), in at least one individual affected with unilateral female breast cancer (example: Kleiblova_2019), providing supporting evidence for a benign role. To our knowledge, no experimental evidence demonstrating an impact on protein function has been reported. The following publications have been ascertained in the context of this evaluation (PMID: 31050813, 11802209). Seven submitters have cited clinical-significance assessments for this variant to ClinVar after 2014, classifying the variant as uncertain significance (n=6) or likely benign (n=1). Based on the evidence outlined above, the variant was classified as uncertain significance.

University of Washington Department of Laboratory Medicine, University of Washington
Classification: Likely benign for Hereditary cancer-predisposing syndrome. Last evaluated: 2023-03-23. Review status: criteria provided, single submitter. Criteria: Dines et al. (Genet Med. 2020). Collection method: curation. Allele origin: germline.
Comment: Missense variant in a coldspot region where missense variants are very unlikely to be pathogenic (PMID:31911673).

BRCA2 exon 11 coldspot. Reclassification based on statistical prior probability.

Institute for Clinical Genetics, University Hospital TU Dresden, University Hospital TU Dresden
Classification: Uncertain significance. Last evaluated: 2021-11-03. Review status: criteria provided, single submitter. Criteria: ACMG Guidelines, 2015. Collection method: clinical testing. Allele origin: germline.

Quest Diagnostics Nichols Institute San Juan Capistrano
Classification: Uncertain significance. Last evaluated: 2019-10-18. Review status: criteria provided, single submitter. Criteria: Quest Diagnostics criteria. Collection method: clinical testing. Allele origin: unknown.

Color Diagnostics, LLC DBA Color Health
Classification: Uncertain significance for Hereditary cancer-predisposing syndrome. Last evaluated: 2019-04-30. Review status: criteria provided, single submitter. Criteria: ACMG Guidelines, 2015. Collection method: clinical testing. Allele origin: germline.

Sharing Clinical Reports Project (SCRP)
Classification: Uncertain significance for Breast-ovarian cancer, familial 2. Last evaluated: 2010-01-15. Review status: no assertion criteria provided. Collection method: clinical testing. Allele origin: germline. Not counted in ClinVar's aggregate classification.

Literature cited by the submitters: PubMed 11802209 (cited by 4 submitters); PubMed 31050813 (cited by Women's Health and Genetics/Laboratory Corporation of America, LabCorp); PubMed 26992456 (cited by Quest Diagnostics Nichols Institute San Juan Capistrano).